The following is an entry in ClinVar:

ClinVar aggregate classification (germline): Uncertain significance (1 of 4 stars; one submission).

Conditions:
Complement component 3 deficiency. Identifiers: Orphanet 280133, MedGen C3151071, MONDO:0013417, OMIM 613779.
C3 glomerulonephritis. Also called: Nephropathy due to CFHR5 Deficiency; C3 GLOMERULOPATHY 3. Identifiers: Orphanet 329931, MedGen C4055342, MONDO:0013892, OMIM 614809.
Atypical hemolytic-uremic syndrome. Identifiers: Orphanet 2134, MedGen C2931788, MONDO:0016244.

Submission:

Genomenon, Inc
Classification: Uncertain significance for Complement component 3 deficiency; C3 glomerulonephritis; Atypical hemolytic-uremic syndrome. Last evaluated: 2025-09-30. Review status: criteria provided, single submitter. Criteria: Genomenon Sequence Variant Interpretation Standards. Collection method: curation. Allele origin: germline. Affected: no.
Comment: C3 p.Pro1114Arg (c.3341C>G) is a missense variant that changes the amino acid at residue 1114 from Proline to Arginine. This variant has been reported in the published literature (PMID:36038546). It is absent or not present at a significant frequency in gnomAD. In conclusion, we classify C3 p.Pro1114Arg (c.3341C>G) as a variant of unknown significance.

Literature cited by the submitters: PubMed 36038546.

NM_000064.4(C3):c.3341C>G (p.Pro1114Arg)

Gene: C3 (complement C3; minus strand). Cytogenetic location: 19p13.3.
Variant type: single nucleotide variant.
Coding change: c.3341C>G on transcript NM_000064.4 (MANE Select); coding-DNA position 3341, C replaced by G.
Protein change: p.Pro1114Arg; replaces proline 1114 with arginine.
Molecular consequence: missense variant.
Genome position (GRCh38, 1-based): chr19:6,692,973, G>C on the plus strand (C>G on the coding strand, the complement: C3 is on the minus strand). VCF-style: chr19-6692973-G-C. GRCh37 (hg19) VCF-style: chr19-6692984-G-C.
Other names: short protein forms P1114R.
Identifiers: ClinVar variation 4280202 (VCV004280202.1).
Genomic context (GRCh38, chr19:6,692,973, plus strand): 5'-CAGCCTCTTACAATCATTTCTTGGTGTATCACGGGCGCATCCTCCTGGAAGACCCCGTCG[G>C]GCTTCTGCTTCTCCAGGATCAGCCATTTAACAGCCCCGCAGAGGACTTGGGAGTCGATGG-3'
Protein context (NP_000055.2, residues 1104-1124): VKWLILEKQK[Pro1114Arg]DGVFQEDAPV